The following is an entry in ClinVar:

NM_020800.3(IFT80):c.1343G>T (p.Gly448Val)

Genes: IFT80 (intraflagellar transport 80; minus strand), TRIM59-IFT80 (TRIM59-IFT80 readthrough (NMD candidate); minus strand). Cytogenetic location: 3q25.33.
Variant type: single nucleotide variant.
Coding change: c.1343G>T on transcript NM_020800.3 (MANE Select); coding-DNA position 1343, G replaced by T.
Protein change: p.Gly448Val; replaces glycine 448 with valine.
Molecular consequence: missense variant. On other transcripts: non-coding transcript variant (3).
Genome position (GRCh38, 1-based): chr3:160,285,841, C>A on the plus strand (G>T on the coding strand, the complement: IFT80 is on the minus strand). VCF-style: chr3-160285841-C-A. GRCh37 (hg19) VCF-style: chr3-160003629-C-A.
Other names: c.932G>T, p.Gly311Val (NM_001190241.2, NM_001190242.2); short protein forms G448V, G311V.
Identifiers: ClinVar variation 960352 (VCV000960352.9), dbSNP rs1715047540, ClinGen allele CA355192597.

ClinVar aggregate classification (germline): Uncertain significance. Review status: criteria provided, multiple submitters, no conflicts (2 of 4 stars). 3 submissions from 3 submitters: Uncertain significance (3). Last evaluated 2024-06-10.

Conditions:
Asphyxiating thoracic dystrophy 2 (SRTD2). Also called: SHORT-RIB THORACIC DYSPLASIA 2 WITH OR WITHOUT POLYDACTYLY; SHORT-RIB THORACIC DYSPLASIA 2 WITH POLYDACTYLY; SHORT-RIB THORACIC DYSPLASIA 2 WITHOUT POLYDACTYLY. Identifiers: Orphanet 474, MedGen C1970005, MONDO:0012644, OMIM 611263.
Jeune thoracic dystrophy. Also called: Jeune syndrome; Infantile thoracic dystrophy; Thoracic pelvic phalangeal dystrophy; Jeune's syndrome; Chondroectodermal dysplasia-like syndrome; Short-rib thoracic dysplasia. Identifiers: Orphanet 474, MedGen C0265275, MONDO:0018770.

Allele frequency attached by ClinVar (database versions not stated): gnomAD exomes below 0.00001.
gnomAD v4.1: 5 of 1,610,462 alleles (0.00031%); highest among the groups gnomAD compares: Middle Eastern, 0.033%; no homozygotes.

Submissions (3):

Blueprint Genetics
Classification: Uncertain significance. Last evaluated: 2024-06-10. Review status: criteria provided, single submitter. Criteria: ACMG Guidelines, 2015. Collection method: clinical testing. Allele origin: germline.

Fulgent Genetics
Classification: Uncertain significance for Asphyxiating thoracic dystrophy 2. Last evaluated: 2024-04-22. Review status: criteria provided, single submitter. Criteria: ACMG Guidelines, 2015. Collection method: clinical testing. Allele origin: germline.

Labcorp Genetics (formerly Invitae), Labcorp
Classification: Uncertain significance for Jeune thoracic dystrophy. Last evaluated: 2022-07-02. Review status: criteria provided, single submitter. Criteria: Invitae Variant Classification Sherloc (09022015). Collection method: clinical testing. Allele origin: germline.
Comment: This variant has not been reported in the literature in individuals affected with IFT80-related conditions. In summary, the available evidence is currently insufficient to determine the role of this variant in disease. Therefore, it has been classified as a Variant of Uncertain Significance. Algorithms developed to predict the effect of sequence changes on RNA splicing suggest that this variant may disrupt the consensus splice site. Algorithms developed to predict the effect of missense changes on protein structure and function are either unavailable or do not agree on the potential impact of this missense change (SIFT: "Deleterious"; PolyPhen-2: "Benign"; Align-GVGD: "Class C65"). ClinVar contains an entry for this variant (Variation ID: 960352). This variant is not present in population databases (gnomAD no frequency). This sequence change replaces glycine, which is neutral and non-polar, with valine, which is neutral and non-polar, at codon 448 of the IFT80 protein (p.Gly448Val).